The following is an entry in ClinVar:

NM_001267550.2(TTN):c.3370A>G (p.Thr1124Ala)

Gene: TTN (titin; minus strand). Cytogenetic location: 2q31.2.
Variant type: single nucleotide variant.
Coding change: c.3370A>G on transcript NM_001267550.2 (MANE Select); coding-DNA position 3370, A replaced by G.
Protein change: p.Thr1124Ala; replaces threonine 1124 with alanine.
Molecular consequence: missense variant.
Genome position (GRCh38, 1-based): chr2:178,782,222, T>C on the plus strand (A>G on the coding strand, the complement: TTN is on the minus strand). VCF-style: chr2-178782222-T-C. GRCh37 (hg19) VCF-style: chr2-179646949-T-C.
Other names: c.3370A>G, p.Thr1124Ala (NM_001256850.1, NM_133378.4, NM_133379.5); c.3232A>G, p.Thr1078Ala (NM_003319.4, NM_133432.3, NM_133437.4); short protein forms T1124A, T1078A.
Identifiers: ClinVar variation 1729205 (VCV001729205.2), dbSNP rs2092846515, ClinGen allele CA349485915.

ClinVar aggregate classification (germline): Uncertain significance (1 of 4 stars; one submission).

Conditions:
Cardiovascular phenotype. Identifiers: MedGen CN230736.

Allele frequency attached by ClinVar (database versions not stated): gnomAD exomes below 0.00001.
gnomAD v4.1: 1 of 1,614,098 alleles (0.000062%); highest among the groups gnomAD compares: Middle Eastern, 0.017%; no homozygotes.

Submission:

Ambry Genetics
Classification: Uncertain significance for Cardiovascular phenotype. Last evaluated: 2019-10-11. Review status: criteria provided, single submitter. Criteria: Ambry Variant Classification Scheme 2023. Collection method: clinical testing. Allele origin: germline.
Comment: The p.T1078A variant (also known as c.3232A>G), located in coding exon 18 of the TTN gene, results from an A to G substitution at nucleotide position 3232. The threonine at codon 1078 is replaced by alanine, an amino acid with similar properties. This amino acid position is highly conserved in available vertebrate species. In addition, this alteration is predicted to be tolerated by in silico analysis. Since supporting evidence is limited at this time, the clinical significance of this alteration remains unclear.